The following is an entry in ClinVar:

ClinVar aggregate classification (germline): Pathogenic (1 of 4 stars; one submission).

Submission:

Labcorp Genetics (formerly Invitae), Labcorp
Classification: Pathogenic. Last evaluated: 2025-02-09. Review status: criteria provided, single submitter. Criteria: Invitae Variant Classification Sherloc (09022015). Collection method: clinical testing. Allele origin: germline.
Comment: This sequence change creates a premature translational stop signal (p.Leu190Argfs*5) in the GATA3 gene. It is expected to result in an absent or disrupted protein product. Loss-of-function variants in GATA3 are known to be pathogenic (PMID: 14985365, 21242646). This variant is not present in population databases (gnomAD no frequency). This variant has not been reported in the literature in individuals affected with GATA3-related conditions. For these reasons, this variant has been classified as Pathogenic.

Literature cited by the submitters: PubMed 14985365; PubMed 21242646.

NM_001002295.2(GATA3):c.569del (p.Leu190fs)

Gene: GATA3 (GATA binding protein 3; plus strand). Cytogenetic location: 10p14.
Variant type: Deletion.
Coding change: c.569del on transcript NM_001002295.2 (MANE Select); coding-DNA position 569, one base deleted (T; older notation c.569delT).
Protein change: p.Leu190fs; shifts the reading frame from leucine 190.
Molecular consequence: frameshift variant.
Genome position (GRCh38, 1-based): chr10:8,058,632, T deleted. VCF-style (leftmost placement, unchanged base first): chr10-8058631-CT-C. GRCh37 (hg19) VCF-style: chr10-8100594-CT-C.
Other names: c.569del, p.Leu190fs (NM_002051.3); short protein forms L190fs.
Identifiers: ClinVar variation 3729688 (VCV003729688.2).